The following is an entry in ClinVar:

NM_006231.4(POLE):c.3310A>G (p.Thr1104Ala)

Gene: POLE (DNA polymerase epsilon, catalytic subunit; minus strand). Cytogenetic location: 12q24.33.
Variant type: single nucleotide variant.
Coding change: c.3310A>G on transcript NM_006231.4 (MANE Select); coding-DNA position 3310, A replaced by G.
Protein change: p.Thr1104Ala; replaces threonine 1104 with alanine.
Molecular consequence: missense variant.
Genome position (GRCh38, 1-based): chr12:132,657,936, T>C on the plus strand (A>G on the coding strand, the complement: POLE is on the minus strand). VCF-style: chr12-132657936-T-C. GRCh37 (hg19) VCF-style: chr12-133234522-T-C.
Other names: short protein forms T1104A.
Identifiers: ClinVar variation 1063870 (VCV001063870.13), dbSNP rs2138663582, ClinGen allele CA387389737.

ClinVar aggregate classification (germline): Uncertain significance. Review status: criteria provided, multiple submitters, no conflicts (2 of 4 stars). 3 submissions from 3 submitters: Uncertain significance (3). Last evaluated 2024-07-21.

Conditions:
Facial dysmorphism-immunodeficiency-livedo-short stature syndrome. Also called: Facial dysmorphism, immunodeficiency, livedo, and short stature; FILS syndrome. Identifiers: Orphanet 352712, MedGen C3554576, MONDO:0014058, OMIM 615139.
Intrauterine growth retardation, metaphyseal dysplasia, adrenal hypoplasia congenita, genital anomalies, and immunodeficiency. Also called: IMAGEI SYNDROME. Identifiers: MedGen C5193036, MONDO:0032684, OMIM 618336.
Colorectal cancer, susceptibility to, 12 (CRCS12). Also called: COLORECTAL CANCER, SUSCEPTIBILITY TO, ON CHROMOSOME 12q24. Identifiers: Orphanet 220460, MedGen C3554460, MONDO:0014038, OMIM 615083.
Hereditary cancer-predisposing syndrome. Also called: Hereditary Cancer Syndrome; Hereditary neoplastic syndrome; Neoplastic Syndromes, Hereditary; Tumor predisposition. Identifiers: Orphanet 140162, MedGen C0027672, MeSH D009386, MONDO:0015356.

Allele frequency attached by ClinVar (database versions not stated): gnomAD exomes below 0.00001.
gnomAD v4.1: 1 of 1,614,074 alleles (0.000062%); highest among the groups gnomAD compares: Non-Finnish European, 0.000085%; no homozygotes.

Submissions (3):

Labcorp Genetics (formerly Invitae), Labcorp
Classification: Uncertain significance. Last evaluated: 2024-07-21. Review status: criteria provided, single submitter. Criteria: Invitae Variant Classification Sherloc (09022015). Collection method: clinical testing. Allele origin: germline.
Comment: This sequence change replaces threonine, which is neutral and polar, with alanine, which is neutral and non-polar, at codon 1104 of the POLE protein (p.Thr1104Ala). This variant is not present in population databases (gnomAD no frequency). This variant has not been reported in the literature in individuals affected with POLE-related conditions. ClinVar contains an entry for this variant (Variation ID: 1063870). Advanced modeling of protein sequence and biophysical properties (such as structural, functional, and spatial information, amino acid conservation, physicochemical variation, residue mobility, and thermodynamic stability) performed at Invitae indicates that this missense variant is not expected to disrupt POLE protein function with a negative predictive value of 80%. In summary, the available evidence is currently insufficient to determine the role of this variant in disease. Therefore, it has been classified as a Variant of Uncertain Significance.

Ambry Genetics
Classification: Uncertain significance for Hereditary cancer-predisposing syndrome. Last evaluated: 2024-06-07. Review status: criteria provided, single submitter. Criteria: Ambry Variant Classification Scheme 2023. Collection method: clinical testing. Allele origin: germline.
Comment: The p.T1104A variant (also known as c.3310A>G), located in coding exon 27 of the POLE gene, results from an A to G substitution at nucleotide position 3310. The threonine at codon 1104 is replaced by alanine, an amino acid with similar properties. This amino acid position is conserved. In addition, this alteration is predicted to be tolerated by in silico analysis. Since supporting evidence is limited at this time, the clinical significance of this alteration remains unclear.

Fulgent Genetics
Classification: Uncertain significance for Colorectal cancer, susceptibility to, 12; Facial dysmorphism-immunodeficiency-livedo-short stature syndrome; Intrauterine growth retardation, metaphyseal dysplasia, adrenal hypoplasia congenita, genital anomalies, and immunodeficiency. Last evaluated: 2024-06-05. Review status: criteria provided, single submitter. Criteria: ACMG Guidelines, 2015. Collection method: clinical testing. Allele origin: germline.